The following is an entry in ClinVar:

NM_024757.5(EHMT1):c.1792-2A>T

Gene: EHMT1 (euchromatic histone lysine methyltransferase 1; plus strand). Cytogenetic location: 9q34.3.
Variant type: single nucleotide variant.
Coding change: c.1792-2A>T on transcript NM_024757.5 (MANE Select); the canonical splice acceptor site of the intron before coding-DNA position 1792, A replaced by T.
Molecular consequence: splice acceptor variant.
Genome position (GRCh38, 1-based): chr9:137,776,616, A>T. VCF-style: chr9-137776616-A-T. GRCh37 (hg19) VCF-style: chr9-140671068-A-T.
Other names: c.1771-2A>T (NM_001354263.2); c.1699-2A>T (NM_001354259.2); c.1792-2A>T (NM_001145527.2).
Identifiers: ClinVar variation 3391428 (VCV003391428.1).

ClinVar aggregate classification (germline): Likely pathogenic (1 of 4 stars; one submission).

Conditions:
Kleefstra syndrome 1 (KLEFS1). Identifiers: Orphanet 261494, MedGen C0795833, MONDO:0027407, OMIM 610253.

Submission:

Clinical Genetics Center, Xinhua Hospital affiliated to Shanghai Jiao Tong University School of Medicine
Classification: Likely pathogenic for Kleefstra syndrome 1. Last evaluated: 2024-11-01. Review status: criteria provided, single submitter. Criteria: ACMG Guidelines, 2015. Collection method: clinical testing. Allele origin: maternal. Affected: yes.
Comment: PVS1+PM2_Supporting